The following is an entry in ClinVar:

NM_001292063.2(OTOG):c.4013G>A (p.Arg1338Gln)

Gene: OTOG (otogelin; plus strand). Cytogenetic location: 11p15.1.
Variant type: single nucleotide variant.
Coding change: c.4013G>A on transcript NM_001292063.2 (MANE Select); coding-DNA position 4013, G replaced by A.
Protein change: p.Arg1338Gln; replaces arginine 1338 with glutamine.
Molecular consequence: missense variant.
Genome position (GRCh38, 1-based): chr11:17,605,992, G>A. VCF-style: chr11-17605992-G-A. GRCh37 (hg19) VCF-style: chr11-17627539-G-A.
Other names: c.4049G>A, p.Arg1350Gln (NM_001277269.2); c.4049G>A (NM_001277269.1); short protein forms R1350Q, R1338Q.
Identifiers: ClinVar variation 501251 (VCV000501251.8), dbSNP rs767859660, ClinGen allele CA5905796.

ClinVar aggregate classification (germline): Uncertain significance. Review status: criteria provided, multiple submitters, no conflicts (2 of 4 stars). 3 submissions from 3 submitters: Uncertain significance (3). Last evaluated 2026-08-21.

Allele frequency attached by ClinVar (database versions not stated): ExAC 0.00013; gnomAD 0.00015 and 0.00016; gnomAD exomes 0.00016; TOPMed 0.00019.
gnomAD v4.1: 440 of 1,550,458 alleles (0.028%); highest among the groups gnomAD compares: Non-Finnish European, 0.035%; no homozygotes.

Submissions (3):

GeneDx
Classification: Uncertain significance. Last evaluated: 2026-08-21. Review status: criteria provided, single submitter. Criteria: GeneDx Variant Classification Process June 2021. Collection method: clinical testing. Allele origin: germline.
Comment: In silico analysis suggests that this missense variant does not alter protein structure/function; Has not been previously published as pathogenic or benign to our knowledge

Blueprint Genetics
Classification: Uncertain significance. Last evaluated: 2024-05-08. Review status: criteria provided, single submitter. Criteria: ACMG Guidelines, 2015. Collection method: clinical testing. Allele origin: germline.

Eurofins Ntd Llc (ga)
Classification: Uncertain significance. Last evaluated: 2017-04-03. Review status: criteria provided, single submitter. Criteria: EGL Classification Definitions 2015. Collection method: clinical testing. Allele origin: germline. Observed: 1 variant allele, 1 heterozygote.